The following is an entry in ClinVar:

NM_031407.7(HUWE1):c.8750+6C>T

Gene: HUWE1 (HECT, UBA and WWE domain containing E3 ubiquitin protein ligase 1; minus strand). Cytogenetic location: Xp11.22.
Variant type: single nucleotide variant.
Coding change: c.8750+6C>T on transcript NM_031407.7 (MANE Select); 6 bases into the intron after coding-DNA position 8750, C replaced by T.
Molecular consequence: intron variant.
Genome position (GRCh38, 1-based): chrX:53,552,632, G>A on the plus strand (C>T on the coding strand, the complement: HUWE1 is on the minus strand). VCF-style: chrX-53552632-G-A. GRCh37 (hg19) VCF-style: chrX-53579593-G-A.
Identifiers: ClinVar variation 3234774 (VCV003234774.20), dbSNP rs2523421638, ClinGen allele CA2825002949.

ClinVar aggregate classification (germline): Uncertain significance (1 of 4 stars; one submission).

Submission:

CeGaT Center for Human Genetics Tuebingen
Classification: Uncertain significance. Last evaluated: 2024-04-01. Review status: criteria provided, single submitter. Criteria: CeGaT Center For Human Genetics Tuebingen Variant Classification Criteria Version 2. Collection method: clinical testing. Allele origin: germline. Affected: yes. Observed: 1 variant allele.
Comment: HUWE1: PM2, BP4